The following is an entry in ClinVar:

NM_001130438.3(SPTAN1):c.5195G>T (p.Ser1732Ile)

Gene: SPTAN1 (spectrin alpha, non-erythrocytic 1; plus strand). Cytogenetic location: 9q34.11.
Variant type: single nucleotide variant.
Coding change: c.5195G>T on transcript NM_001130438.3 (MANE Select); coding-DNA position 5195, G replaced by T.
Protein change: p.Ser1732Ile; replaces serine 1732 with isoleucine.
Molecular consequence: missense variant.
Genome position (GRCh38, 1-based): chr9:128,615,678, G>T. VCF-style: chr9-128615678-G-T. GRCh37 (hg19) VCF-style: chr9-131377957-G-T.
Other names: c.5120G>T, p.Ser1707Ile (NM_001195532.2); c.5195G>T, p.Ser1732Ile (NM_001363759.2, NM_001375310.1, NM_001375311.2 and 1 more transcripts); c.5135G>T, p.Ser1712Ile (NM_001363765.2, NM_001375314.2); c.5231G>T, p.Ser1744Ile (NM_001375312.2, NM_001375318.1); c.5180G>T, p.Ser1727Ile (NM_003127.4); short protein forms S1712I, S1707I, S1732I, S1727I, S1744I.
Identifiers: ClinVar variation 1482506 (VCV001482506.7), dbSNP rs751640888, ClinGen allele CA5265401.

ClinVar aggregate classification (germline): Uncertain significance (1 of 4 stars; one submission).

Conditions:
Early-infantile DEE. Also called: Early infantile epileptic encephalopathy with suppression bursts; Early infantile epileptic encephalopathy; Ohtahara syndrome. Identifiers: Orphanet 1934, MedGen C0393706, MONDO:0800491.

Allele frequency attached by ClinVar (database versions not stated): ExAC 0.00002; gnomAD exomes below 0.00001.
gnomAD v4.1: 7 of 1,614,164 alleles (0.00043%); highest among the groups gnomAD compares: Non-Finnish European, 0.00059%; no homozygotes.

Submission:

Labcorp Genetics (formerly Invitae), Labcorp
Classification: Uncertain significance for Early-infantile DEE. Last evaluated: 2022-06-05. Review status: criteria provided, single submitter. Criteria: Invitae Variant Classification Sherloc (09022015). Collection method: clinical testing. Allele origin: germline.
Comment: In summary, the available evidence is currently insufficient to determine the role of this variant in disease. Therefore, it has been classified as a Variant of Uncertain Significance. This variant disrupts the p.Ser1732 amino acid residue in SPTAN1. Other variant(s) that disrupt this residue have been determined to be pathogenic (Invitae). This suggests that this residue is clinically significant, and that variants that disrupt this residue are likely to be disease-causing. Algorithms developed to predict the effect of missense changes on protein structure and function are either unavailable or do not agree on the potential impact of this missense change (SIFT: "Deleterious"; PolyPhen-2: "Benign"; Align-GVGD: "Class C35"). ClinVar contains an entry for this variant (Variation ID: 1482506). This variant has not been reported in the literature in individuals affected with SPTAN1-related conditions. This variant is present in population databases (rs751640888, gnomAD 0.0009%). This sequence change replaces serine, which is neutral and polar, with isoleucine, which is neutral and non-polar, at codon 1732 of the SPTAN1 protein (p.Ser1732Ile).